The following is an entry in ClinVar:

NM_024809.5(TCTN2):c.1712C>T (p.Ser571Leu)

Gene: TCTN2 (tectonic family member 2; plus strand). Cytogenetic location: 12q24.31.
Variant type: single nucleotide variant.
Coding change: c.1712C>T on transcript NM_024809.5 (MANE Select); coding-DNA position 1712, C replaced by T.
Protein change: p.Ser571Leu; replaces serine 571 with leucine.
Molecular consequence: missense variant.
Genome position (GRCh38, 1-based): chr12:123,704,631, C>T. VCF-style: chr12-123704631-C-T. GRCh37 (hg19) VCF-style: chr12-124189178-C-T.
Other names: c.1712C>T (NM_024809.3); c.1709C>T, p.Ser570Leu (NM_001143850.3); short protein forms S571L, S570L.
Identifiers: ClinVar variation 307558 (VCV000307558.11), dbSNP rs372687837, ClinGen allele CA6861311.

ClinVar aggregate classification (germline): Uncertain significance. Review status: criteria provided, multiple submitters, no conflicts (2 of 4 stars). 5 submissions from 4 submitters: Uncertain significance (5). Last evaluated 2025-06-29.

Conditions:
Inborn genetic diseases. Identifiers: MedGen C0950123, MeSH D030342.
Joubert syndrome 24 (JBTS24). Identifiers: Orphanet 475, MedGen C4084841, MONDO:0014724, OMIM 616654.
Meckel syndrome, type 8. Identifiers: Orphanet 564, MedGen C3836857, MONDO:0013482, OMIM 613885.
Meckel-Gruber syndrome. Also called: Dysencephalia splachnocystica; DYSENCEPHALIA SPLANCHNOCYSTICA; GRUBER SYNDROME. Identifiers: Orphanet 564, MedGen C0265215, MONDO:0018921.
Joubert syndrome. Also called: Familial aplasia of the vermis; CEREBELLOPARENCHYMAL DISORDER IV; JOUBERT-BOLTSHAUSER SYNDROME. Identifiers: Orphanet 475, MedGen C5979921, MONDO:0018772.

Allele frequency attached by ClinVar (database versions not stated): TOPMed 0.00006; ExAC 0.00007; ESP Exome Variant Server 0.00008; gnomAD exomes 0.00008 and 0.00011; gnomAD 0.00009.
gnomAD v4.1: 179 of 1,613,188 alleles (0.011%); highest among the groups gnomAD compares: East Asian, 0.027%; no homozygotes.

Submissions (5):

Ambry Genetics
Classification: Uncertain significance for Inborn genetic diseases. Last evaluated: 2025-06-29. Review status: criteria provided, single submitter. Criteria: Ambry Variant Classification Scheme 2023. Collection method: clinical testing. Allele origin: germline.

Labcorp Genetics (formerly Invitae), Labcorp
Classification: Uncertain significance for Joubert syndrome; Meckel-Gruber syndrome. Last evaluated: 2024-10-22. Review status: criteria provided, single submitter. Criteria: Invitae Variant Classification Sherloc (09022015). Collection method: clinical testing. Allele origin: germline.
Comment: This sequence change replaces serine, which is neutral and polar, with leucine, which is neutral and non-polar, at codon 571 of the TCTN2 protein (p.Ser571Leu). This variant is present in population databases (rs372687837, gnomAD 0.08%). This variant has not been reported in the literature in individuals affected with TCTN2-related conditions. ClinVar contains an entry for this variant (Variation ID: 307558). Invitae Evidence Modeling of protein sequence and biophysical properties (such as structural, functional, and spatial information, amino acid conservation, physicochemical variation, residue mobility, and thermodynamic stability) indicates that this missense variant is not expected to disrupt TCTN2 protein function with a negative predictive value of 80%. In summary, the available evidence is currently insufficient to determine the role of this variant in disease. Therefore, it has been classified as a Variant of Uncertain Significance.

Fulgent Genetics
Classification: Uncertain significance for Meckel syndrome, type 8; Joubert syndrome 24. Last evaluated: 2024-04-02. Review status: criteria provided, single submitter. Criteria: ACMG Guidelines, 2015. Collection method: clinical testing. Allele origin: germline.

Illumina Laboratory Services, Illumina
Classification: Uncertain significance for Joubert syndrome 24. Last evaluated: 2018-01-12. Review status: criteria provided, single submitter. Criteria: ICSL Variant Classification Criteria 13 December 2019. Collection method: clinical testing. Allele origin: germline.

Illumina Laboratory Services, Illumina
Classification: Uncertain significance for Meckel syndrome, type 8. Last evaluated: 2018-01-12. Review status: criteria provided, single submitter. Criteria: ICSL Variant Classification Criteria 13 December 2019. Collection method: clinical testing. Allele origin: germline.